The following is an entry in ClinVar:

NM_004999.4(MYO6):c.262-12T>G

Gene: MYO6 (myosin VI; plus strand). Cytogenetic location: 6q14.1.
Variant type: single nucleotide variant.
Coding change: c.262-12T>G on transcript NM_004999.4 (MANE Select); 12 bases into the intron before coding-DNA position 262, T replaced by G.
Molecular consequence: intron variant.
Genome position (GRCh38, 1-based): chr6:75,830,404, T>G. VCF-style: chr6-75830404-T-G. GRCh37 (hg19) VCF-style: chr6-76540121-T-G.
Other names: c.262-12T>G (NM_001368865.1, NM_001368866.1, NM_001368137.1 and 5 more transcripts).
Identifiers: ClinVar variation 357988 (VCV000357988.13), dbSNP rs368072756, ClinGen allele CA3896794.

ClinVar aggregate classification (germline): Conflicting classifications of pathogenicity. Review status: criteria provided, conflicting classifications (1 of 4 stars). 4 submissions from 3 submitters: Uncertain significance (3); Likely benign (1). Last evaluated 2026-01-09.

Conditions:
Autosomal recessive nonsyndromic hearing loss 37. Identifiers: Orphanet 90636, MedGen C1843028, MONDO:0011912, OMIM 607821.
Autosomal dominant nonsyndromic hearing loss 22. Also called: Autosomal dominant nonsyndromic deafness 22; DFNA 22. Identifiers: Orphanet 228012, MedGen C2931767, MONDO:0011660, OMIM 606346.

Allele frequency attached by ClinVar (database versions not stated): TOPMed 0.00012; ESP Exome Variant Server 0.00015; gnomAD 0.00017; gnomAD exomes 0.00017 and 0.00022; ExAC 0.00025.
gnomAD v4.1: 264 of 1,606,946 alleles (0.016%); highest among the groups gnomAD compares: Non-Finnish European, 0.02%; no homozygotes.

Submissions (4):

Labcorp Genetics (formerly Invitae), Labcorp
Classification: Likely benign. Last evaluated: 2026-01-09. Review status: criteria provided, single submitter. Criteria: Invitae Variant Classification Sherloc (09022015). Collection method: clinical testing. Allele origin: germline.

GeneDx
Classification: Uncertain significance. Last evaluated: 2022-03-22. Review status: criteria provided, single submitter. Criteria: GeneDx Variant Classification Process June 2021. Collection method: clinical testing. Allele origin: germline. Affected: yes.
Comment: In silico analysis, which includes splice predictors and evolutionary conservation, suggests this variant may impact gene splicing. In the absence of RNA/functional studies, the actual effect of this sequence change is unknown.; Has not been previously published as pathogenic or benign to our knowledge

Illumina Laboratory Services, Illumina
Classification: Uncertain significance for Autosomal recessive nonsyndromic hearing loss 37. Last evaluated: 2018-01-13. Review status: criteria provided, single submitter. Criteria: ICSL Variant Classification Criteria 13 December 2019. Collection method: clinical testing. Allele origin: germline.

Illumina Laboratory Services, Illumina
Classification: Uncertain significance for Autosomal dominant nonsyndromic hearing loss 22. Last evaluated: 2018-01-13. Review status: criteria provided, single submitter. Criteria: ICSL Variant Classification Criteria 13 December 2019. Collection method: clinical testing. Allele origin: germline.